The following is an entry in ClinVar:

NM_000051.4(ATM):c.5043A>C (p.Ile1681=)

Gene: ATM (ATM serine/threonine kinase; plus strand). Cytogenetic location: 11q22.3.
Variant type: single nucleotide variant.
Coding change: c.5043A>C on transcript NM_000051.4 (MANE Select); coding-DNA position 5043, A replaced by C.
Protein change: p.Ile1681=; no amino-acid change (isoleucine 1681 retained).
Molecular consequence: synonymous variant.
Genome position (GRCh38, 1-based): chr11:108,299,751, A>C. VCF-style: chr11-108299751-A-C. GRCh37 (hg19) VCF-style: chr11-108170478-A-C.
Other names: c.5043A>C, p.Ile1681= (NM_001351834.2).
Identifiers: ClinVar variation 1744964 (VCV001744964.3), dbSNP rs2083322309, ClinGen allele CA476674672.
Genomic context (GRCh38, chr11:108,299,751, plus strand): 5'-TGAAATAGAATTTCTATATGTAGAGGCTGTTGGAAGCTGCTTGGGAGAAGTGGGTCCTAT[A>C]GATTTCTCTACCATAGCTATACAACATAGTAAAGATGCATCTTATACCAAGGCCCTTAAG-3'
Protein context (NP_000042.3, residues 1671-1691): VGSCLGEVGP[Ile1681=]DFSTIAIQHS

ClinVar aggregate classification (germline): Benign/Likely benign. Review status: criteria provided, multiple submitters, no conflicts (2 of 4 stars). 2 submissions from 2 submitters: Benign (1); Likely benign (1). Last evaluated 2024-05-22.

Conditions:
Hereditary cancer-predisposing syndrome. Also called: Hereditary Cancer Syndrome; Neoplastic Syndromes, Hereditary; Tumor predisposition; Hereditary neoplastic syndrome. Identifiers: Orphanet 140162, MedGen C0027672, MeSH D009386, MONDO:0015356.
Familial cancer of breast. Also called: BREAST CANCER, FAMILIAL; Hereditary breast cancer; hereditary breast carcinoma. Identifiers: Orphanet 227535, MedGen C0346153, MONDO:0016419, OMIM 114480. Disease mechanism: loss of function.

Submissions (2):

Myriad Genetics, Inc.
Classification: Benign for Familial cancer of breast. Last evaluated: 2024-05-22. Review status: criteria provided, single submitter. Criteria: Myriad Autosomal Dominant, Autosomal Recessive and X-Linked Classification Criteria (2023). Collection method: clinical testing. Allele origin: unknown.
Comment: This variant is considered benign. This variant is a silent/synonymous amino acid change and it is not expected to impact splicing.

Ambry Genetics
Classification: Likely benign for Hereditary cancer-predisposing syndrome. Last evaluated: 2020-03-13. Review status: criteria provided, single submitter. Criteria: Ambry Variant Classification Scheme 2023. Collection method: clinical testing. Allele origin: germline.